The following is an entry in ClinVar:

ClinVar aggregate classification (germline): Uncertain significance. Review status: criteria provided, multiple submitters, no conflicts (2 of 4 stars). 2 submissions from 2 submitters: Uncertain significance (2). Last evaluated 2025-06-10.

Conditions:
Hypertrophic cardiomyopathy. Also called: HYPERTROPHIC MYOCARDIOPATHY. Identifiers: Orphanet 217569, MedGen C0007194, MeSH D002312, MONDO:0005045, HP:0001639.

gnomAD v4.1: 6 of 1,612,942 alleles (0.00037%); highest among the groups gnomAD compares: Non-Finnish European, 0.00051%; no homozygotes.

Submissions (2):

Ambry Genetics
Classification: Uncertain significance. Last evaluated: 2025-06-10. Review status: criteria provided, single submitter. Criteria: Ambry Variant Classification Scheme 2023. Collection method: clinical testing. Allele origin: germline.
Comment: The p.D271G variant (also known as c.812A>G), located in coding exon 4 of the MYOM1 gene, results from an A to G substitution at nucleotide position 812. The aspartic acid at codon 271 is replaced by glycine, an amino acid with similar properties. This amino acid position is conserved. In addition, the in silico prediction for this alteration is inconclusive. Based on the available evidence, the clinical significance of this variant remains unclear.

Labcorp Genetics (formerly Invitae), Labcorp
Classification: Uncertain significance for Hypertrophic cardiomyopathy. Last evaluated: 2024-09-23. Review status: criteria provided, single submitter. Criteria: Invitae Variant Classification Sherloc (09022015). Collection method: clinical testing. Allele origin: germline.
Comment: This sequence change replaces aspartic acid, which is acidic and polar, with glycine, which is neutral and non-polar, at codon 271 of the MYOM1 protein (p.Asp271Gly). This variant is present in population databases (rs758194275, gnomAD 0.0009%). This variant has not been reported in the literature in individuals affected with MYOM1-related conditions. Invitae Evidence Modeling of protein sequence and biophysical properties (such as structural, functional, and spatial information, amino acid conservation, physicochemical variation, residue mobility, and thermodynamic stability) indicates that this missense variant is expected to disrupt MYOM1 protein function with a positive predictive value of 80%. In summary, the available evidence is currently insufficient to determine the role of this variant in disease. Therefore, it has been classified as a Variant of Uncertain Significance.

NM_003803.4(MYOM1):c.812A>G (p.Asp271Gly)

Gene: MYOM1 (myomesin 1; minus strand). Cytogenetic location: 18p11.31.
Variant type: single nucleotide variant.
Coding change: c.812A>G on transcript NM_003803.4 (MANE Select); coding-DNA position 812, A replaced by G.
Protein change: p.Asp271Gly; replaces aspartic acid 271 with glycine.
Molecular consequence: missense variant.
Genome position (GRCh38, 1-based): chr18:3,187,597, T>C on the plus strand (A>G on the coding strand, the complement: MYOM1 is on the minus strand). VCF-style: chr18-3187597-T-C. GRCh37 (hg19) VCF-style: chr18-3187595-T-C.
Other names: c.812A>G, p.Asp271Gly (NM_019856.2); short protein forms D271G.
Identifiers: ClinVar variation 3705687 (VCV003705687.3).